The following is an entry in ClinVar:

ClinVar aggregate classification (germline): Pathogenic (1 of 4 stars; one submission).

Conditions:
Papillon-Lefèvre syndrome (PALS). Also called: KERATOSIS PALMOPLANTARIS WITH PERIODONTOPATHIA; Papillon-Lefevre Disease. Identifiers: Orphanet 678, MedGen C0030360, MONDO:0009490, OMIM 245000.
Periodontitis, aggressive. Identifiers: MedGen C0031106, MONDO:0980757.
Haim-Munk syndrome (HMS). Also called: COCHIN JEWISH DISORDER; KERATOSIS PALMOPLANTARIS WITH PERIODONTOPATHIA AND ONYCHOGRYPOSIS. Identifiers: Orphanet 2342, MedGen C1855627, MONDO:0009491, OMIM 245010.

Allele frequency attached by ClinVar (database versions not stated): gnomAD exomes below 0.00001.
gnomAD v4.1: 3 of 1,586,168 alleles (0.00019%); highest among the groups gnomAD compares: Non-Finnish European, 0.00026%; no homozygotes.

Submission:

Labcorp Genetics (formerly Invitae), Labcorp
Classification: Pathogenic for Haim-Munk syndrome; Periodontitis, aggressive; Papillon-Lefèvre syndrome. Last evaluated: 2024-01-29. Review status: criteria provided, single submitter. Criteria: Invitae Variant Classification Sherloc (09022015). Collection method: clinical testing. Allele origin: germline.
Comment: This sequence change creates a premature translational stop signal (p.Gln252*) in the CTSC gene. It is expected to result in an absent or disrupted protein product. Loss-of-function variants in CTSC are known to be pathogenic (PMID: 10662808, 11106356, 11886537). This variant is not present in population databases (gnomAD no frequency). This premature translational stop signal has been observed in individual(s) with Papillon-Lefèvre syndrome (PMID: 28317349). ClinVar contains an entry for this variant (Variation ID: 1455525). For these reasons, this variant has been classified as Pathogenic.

Literature cited by the submitters: PubMed 10662808; PubMed 11106356; PubMed 11886537; PubMed 28317349.

NM_001814.6(CTSC):c.754C>T (p.Gln252Ter)

Gene: CTSC (cathepsin C; minus strand). Cytogenetic location: 11q14.2.
Variant type: single nucleotide variant.
Coding change: c.754C>T on transcript NM_001814.6 (MANE Select); coding-DNA position 754, C replaced by T.
Protein change: p.Gln252Ter; replaces glutamine 252 with a stop codon.
Molecular consequence: nonsense.
Genome position (GRCh38, 1-based): chr11:88,300,533, G>A on the plus strand (C>T on the coding strand, the complement: CTSC is on the minus strand). VCF-style: chr11-88300533-G-A. GRCh37 (hg19) VCF-style: chr11-88033701-G-A.
Other names: short protein forms Q252*.
Identifiers: ClinVar variation 1455525 (VCV001455525.6), dbSNP rs2134770866, ClinGen allele CA382023550.